The following is an entry in ClinVar:

ClinVar aggregate classification (germline): Benign (0 of 4 stars; one submission).

Conditions:
WNT9B-related disorder. Also called: WNT9B-related condition.

Allele frequency attached by ClinVar (database versions not stated): ExAC 0.00040; gnomAD exomes 0.00043; TOPMed 0.00559; 1000 Genomes Project 30x 0.00656; gnomAD 0.00459; 1000 Genomes Project 0.00559.
gnomAD v4.1: 811 of 424,872 alleles (0.19%); highest among the groups gnomAD compares: African/African-American, 1.5%; 5 homozygotes.

Submission:

PreventionGenetics, part of Exact Sciences
Classification: Benign for WNT9B-related condition. Last evaluated: 2019-09-30. Review status: no assertion criteria provided. Collection method: clinical testing. Allele origin: germline.
Comment: This variant is classified as benign based on ACMG/AMP sequence variant interpretation guidelines (Richards et al. 2015 PMID: 25741868, with internal and published modifications).

NM_001320458.2(WNT9B):c.981G>T (p.Leu327=)

Genes: WNT9B (Wnt family member 9B; plus strand), LRRC37A2 (leucine rich repeat containing 37 member A2). Cytogenetic location: 17q21.32.
Variant type: single nucleotide variant.
Coding change: c.981G>T on transcript NM_001320458.2; coding-DNA position 981, G replaced by T.
Protein change: p.Leu327=; no amino-acid change (leucine 327 retained).
Molecular consequence: synonymous variant.
Genome position (GRCh38, 1-based): chr17:46,885,110, G>T. VCF-style: chr17-46885110-G-T. GRCh37 (hg19) VCF-style: chr17-44962476-G-T.
Identifiers: ClinVar variation 3039182 (VCV003039182.2), dbSNP rs148964384, ClinGen allele CA8621083.